The following is an entry in ClinVar:

NM_201384.3(PLEC):c.13427G>T (p.Ser4476Ile)

Gene: PLEC (plectin; minus strand). Cytogenetic location: 8q24.3.
Variant type: single nucleotide variant.
Coding change: c.13427G>T on transcript NM_201384.3 (MANE Select); coding-DNA position 13427, G replaced by T.
Protein change: p.Ser4476Ile; replaces serine 4476 with isoleucine.
Molecular consequence: missense variant.
Genome position (GRCh38, 1-based): chr8:143,916,394, C>A on the plus strand (G>T on the coding strand, the complement: PLEC is on the minus strand). VCF-style: chr8-143916394-C-A. GRCh37 (hg19) VCF-style: chr8-144990562-C-A.
Other names: c.13508G>T, p.Ser4503Ile (NM_000445.5); c.13385G>T, p.Ser4462Ile (NM_201378.4); c.13361G>T, p.Ser4454Ile (NM_201379.3); c.13838G>T, p.Ser4613Ile (NM_201380.4); c.13331G>T, p.Ser4444Ile (NM_201381.3); c.13427G>T, p.Ser4476Ile (NM_201382.4); c.13439G>T, p.Ser4480Ile (NM_201383.3); short protein forms S4462I, S4480I, S4444I, S4454I, S4476I, S4613I, S4503I.
Identifiers: ClinVar variation 1484641 (VCV001484641.8), dbSNP rs2130787290, ClinGen allele CA372474498.

ClinVar aggregate classification (germline): Uncertain significance (1 of 4 stars; one submission).

Conditions:
Epidermolysis bullosa simplex 5B, with muscular dystrophy (EBS5B). Also called: EPIDERMOLYSIS BULLOSA SIMPLEX AND LIMB-GIRDLE MUSCULAR DYSTROPHY; Epidermolysis bullosa simplex with muscular dystrophy. Identifiers: Orphanet 257, MedGen C2931072, MONDO:0009181, OMIM 226670.
Epidermolysis bullosa simplex 5C, with pyloric atresia (EBS5C). Also called: PLEC1-Related Epidermolysis Bullosa with Pyloric Atresia; PLEC-Related Epidermolysis Bullosa with Pyloric Atresia; Epidermolysis bullosa simplex with pyloric atresia. Identifiers: Orphanet 158684, MedGen C2677349, MONDO:0012807, OMIM 612138.
Epidermolysis bullosa simplex, Ogna type (EBS5A). Also called: Pidermolysis bullosa simplex 5A, Ogna type; EPIDERMOLYSIS BULLOSA SIMPLEX 5A, OGNA TYPE. Identifiers: Orphanet 79401, MedGen C0432317, MONDO:0007555, OMIM 131950.
Autosomal recessive limb-girdle muscular dystrophy type 2Q (LGMDR17). Also called: MUSCULAR DYSTROPHY, LIMB-GIRDLE, AUTOSOMAL RECESSIVE 17. Identifiers: Orphanet 254361, MedGen C3150989, MONDO:0013390, OMIM 613723.
Epidermolysis bullosa simplex with nail dystrophy (EBS5D). Identifiers: MedGen C4225309, MONDO:0014661, OMIM 616487.

Submission:

Labcorp Genetics (formerly Invitae), Labcorp
Classification: Uncertain significance for Autosomal recessive limb-girdle muscular dystrophy type 2Q; Epidermolysis bullosa simplex, Ogna type; Epidermolysis bullosa simplex with nail dystrophy; Epidermolysis bullosa simplex 5C, with pyloric atresia; Epidermolysis bullosa simplex 5B, with muscular dystrophy. Last evaluated: 2021-05-30. Review status: criteria provided, single submitter. Criteria: Invitae Variant Classification Sherloc (09022015). Collection method: clinical testing. Allele origin: germline.
Comment: In summary, the available evidence is currently insufficient to determine the role of this variant in disease. Therefore, it has been classified as a Variant of Uncertain Significance. Algorithms developed to predict the effect of missense changes on protein structure and function are either unavailable or do not agree on the potential impact of this missense change (SIFT: "Deleterious"; PolyPhen-2: "Not Available"; Align-GVGD: "Class C65"). This variant has not been reported in the literature in individuals with PLEC-related conditions. This variant is not present in population databases (ExAC no frequency). This sequence change replaces serine with isoleucine at codon 4503 of the PLEC protein (p.Ser4503Ile). The serine residue is highly conserved and there is a large physicochemical difference between serine and isoleucine.